The following is an entry in ClinVar:

NM_138413.4(HOGA1):c.212-3C>T

Gene: HOGA1 (4-hydroxy-2-oxoglutarate aldolase 1; plus strand). Cytogenetic location: 10q24.2.
Variant type: single nucleotide variant.
Coding change: c.212-3C>T on transcript NM_138413.4 (MANE Select); 3 bases into the intron before coding-DNA position 212, C replaced by T.
Molecular consequence: intron variant.
Genome position (GRCh38, 1-based): chr10:97,598,772, C>T. VCF-style: chr10-97598772-C-T. GRCh37 (hg19) VCF-style: chr10-99358529-C-T.
Other names: c.212-3085C>T (NM_001134670.2).
Identifiers: ClinVar variation 4807217 (VCV004807217.1).

ClinVar aggregate classification (germline): Uncertain significance (1 of 4 stars; one submission).

Submission:

Labcorp Genetics (formerly Invitae), Labcorp
Classification: Uncertain significance. Last evaluated: 2025-09-24. Review status: criteria provided, single submitter. Criteria: Invitae Variant Classification Sherloc (09022015). Collection method: clinical testing. Allele origin: germline.
Comment: This sequence change falls in intron 1 of the HOGA1 gene. It does not directly change the encoded amino acid sequence of the HOGA1 protein. It affects a nucleotide within the consensus splice site. This variant is not present in population databases (gnomAD no frequency). This variant has not been reported in the literature in individuals affected with HOGA1-related conditions. Variants that disrupt the consensus splice site are a relatively common cause of aberrant splicing (PMID: 17576681, 9536098). Algorithms developed to predict the effect of sequence changes on RNA splicing suggest that this variant is not likely to affect RNA splicing. In summary, the available evidence is currently insufficient to determine the role of this variant in disease. Therefore, it has been classified as a Variant of Uncertain Significance.

Literature cited by the submitters: PubMed 17576681; PubMed 9536098.